The following is an entry in ClinVar:

ClinVar aggregate classification (germline): Uncertain significance (1 of 4 stars; one submission).

Conditions:
Inborn genetic diseases. Identifiers: MedGen C0950123, MeSH D030342.

Submission:

Ambry Genetics
Classification: Uncertain significance for Inborn genetic diseases. Last evaluated: 2025-03-13. Review status: criteria provided, single submitter. Criteria: Ambry Variant Classification Scheme 2023. Collection method: clinical testing. Allele origin: germline.
Comment: The c.2668A>G (p.N890D) alteration is located in exon 21 (coding exon 20) of the CHD2 gene. This alteration results from a A to G substitution at nucleotide position 2668, causing the asparagine (N) at amino acid position 890 to be replaced by an aspartic acid (D). This variant was not reported in population-based cohorts in the Genome Aggregation Database (gnomAD). This amino acid position is highly conserved in available vertebrate species. This missense alteration is located in a region that has a low rate of benign missense variation (Lek, 2016; Firth, 2009). The in silico prediction for this alteration is inconclusive. Based on insufficient or conflicting evidence, the clinical significance of this alteration remains unclear.

NM_001271.4(CHD2):c.2668A>G (p.Asn890Asp)

Gene: CHD2 (chromodomain helicase DNA binding protein 2; plus strand). Cytogenetic location: 15q26.1.
Variant type: single nucleotide variant.
Coding change: c.2668A>G on transcript NM_001271.4 (MANE Select); coding-DNA position 2668, A replaced by G.
Protein change: p.Asn890Asp; replaces asparagine 890 with aspartic acid.
Molecular consequence: missense variant.
Genome position (GRCh38, 1-based): chr15:92,978,324, A>G. VCF-style: chr15-92978324-A-G. GRCh37 (hg19) VCF-style: chr15-93521554-A-G.
Other names: short protein forms N890D.
Identifiers: ClinVar variation 3832776 (VCV003832776.1).